The following is an entry in ClinVar:

NM_001201543.2(FAM161A):c.1644G>A (p.Gln548=)

Gene: FAM161A (FAM161 centrosomal protein A; minus strand). Cytogenetic location: 2p15.
Variant type: single nucleotide variant.
Coding change: c.1644G>A on transcript NM_001201543.2 (MANE Select); coding-DNA position 1644, G replaced by A.
Protein change: p.Gln548=; no amino-acid change (glutamine 548 retained).
Molecular consequence: synonymous variant. On other transcripts: intron variant (1).
Genome position (GRCh38, 1-based): chr2:61,838,645, C>T on the plus strand (G>A on the coding strand, the complement: FAM161A is on the minus strand). VCF-style: chr2-61838645-C-T. GRCh37 (hg19) VCF-style: chr2-62065780-C-T.
Other names: c.1583+776G>A (NM_032180.3).
Identifiers: ClinVar variation 2162776 (VCV002162776.4), dbSNP rs771425462, ClinGen allele CA1679075.

ClinVar aggregate classification (germline): Uncertain significance (1 of 4 stars; one submission).

Allele frequency attached by ClinVar (database versions not stated): gnomAD exomes below 0.00001; ExAC 0.00001.
gnomAD v4.1: 2 of 1,611,970 alleles (0.00012%); highest among the groups gnomAD compares: South Asian, 0.0011%; no homozygotes.

Submission:

Labcorp Genetics (formerly Invitae), Labcorp
Classification: Uncertain significance. Last evaluated: 2023-12-11. Review status: criteria provided, single submitter. Criteria: Invitae Variant Classification Sherloc (09022015). Collection method: clinical testing. Allele origin: germline.
Comment: This sequence change affects codon 548 of the FAM161A mRNA. It is a 'silent' change, meaning that it does not change the encoded amino acid sequence of the FAM161A protein. This variant is present in population databases (rs771425462, gnomAD 0.003%). This variant has not been reported in the literature in individuals affected with FAM161A-related conditions. ClinVar contains an entry for this variant (Variation ID: 2162776). Algorithms developed to predict the effect of sequence changes on RNA splicing suggest that this variant may disrupt the consensus splice site. In summary, the available evidence is currently insufficient to determine the role of this variant in disease. Therefore, it has been classified as a Variant of Uncertain Significance.